The following is an entry in ClinVar:

ClinVar aggregate classification (germline): Pathogenic (1 of 4 stars; one submission).

Submission:

CeGaT Center for Human Genetics Tuebingen
Classification: Pathogenic. Last evaluated: 2023-12-01. Review status: criteria provided, single submitter. Criteria: CeGaT Center For Human Genetics Tuebingen Variant Classification Criteria Version 2. Collection method: clinical testing. Allele origin: germline. Affected: yes. Observed: 1 variant allele.
Comment: DYRK1A: PVS1, PM2

NM_001347721.2(DYRK1A):c.681_685del (p.Leu227fs)

Gene: DYRK1A (dual specificity tyrosine phosphorylation regulated kinase 1A; plus strand). Cytogenetic location: 21q22.13.
Variant type: Deletion.
Coding change: c.681_685del on transcript NM_001347721.2 (MANE Select); coding-DNA positions 681 to 685, 5 bases deleted (AGTTT; older notation c.681_685delAGTTT).
Protein change: p.Leu227fs; shifts the reading frame from leucine 227.
Molecular consequence: frameshift variant.
Genome position (GRCh38, 1-based): chr21:37,490,218-37,490,222, AGTTT deleted; deleting any 5 consecutive bases within chr21:37,490,214-37,490,222 gives the same sequence; the c. name uses the placement nearest the transcript's 3' end. VCF-style (leftmost placement, unchanged base first): chr21-37490213-TGTTTA-T. GRCh37 (hg19) VCF-style: chr21-38862515-TGTTTA-T.
Other names: c.681_685del, p.Leu227fs (NM_001347722.2, NM_130436.2); c.594_598del, p.Leu198fs (NM_001347723.2); c.708_712del, p.Leu236fs (NM_001396.5, NM_101395.2, NM_130438.2); short protein forms L198fs, L227fs, L236fs.
Identifiers: ClinVar variation 3026791 (VCV003026791.22), dbSNP rs2518027746, ClinGen allele CA2740094711.